The following is an entry in ClinVar:

NM_002693.3(POLG):c.2791C>A (p.Leu931Ile)

Gene: POLG (DNA polymerase gamma, catalytic subunit; minus strand). Cytogenetic location: 15q26.1.
Variant type: single nucleotide variant.
Coding change: c.2791C>A on transcript NM_002693.3 (MANE Select); coding-DNA position 2791, C replaced by A.
Protein change: p.Leu931Ile; replaces leucine 931 with isoleucine.
Molecular consequence: missense variant.
Genome position (GRCh38, 1-based): chr15:89,320,956, G>T on the plus strand (C>A on the coding strand, the complement: POLG is on the minus strand). VCF-style: chr15-89320956-G-T. GRCh37 (hg19) VCF-style: chr15-89864187-G-T.
Other names: c.2791C>A, p.Leu931Ile (NM_001126131.2); short protein forms L931I.
Identifiers: ClinVar variation 619424 (VCV000619424.10), dbSNP rs1567186644, ClinGen allele CA10602241.

ClinVar aggregate classification (germline): Uncertain significance. Review status: criteria provided, multiple submitters, no conflicts (2 of 4 stars). 2 submissions from 2 submitters: Uncertain significance (2). Last evaluated 2025-09-01.

Conditions:
Progressive sclerosing poliodystrophy (MTDPS4A). Also called: Alpers-Huttenlocher Syndrome (AHS); Alpers Syndrome; ALPERS PROGRESSIVE INFANTILE POLIODYSTROPHY; Mitochondrial DNA depletion syndrome 4A (Alpers type); ALPERS DIFFUSE DEGENERATION OF CEREBRAL GRAY MATTER WITH HEPATIC CIRRHOSIS; Alpers-Huttenlocher Syndrome. Identifiers: Orphanet 726, MedGen C0205710, MONDO:0008758, OMIM 203700.

Allele frequency attached by ClinVar (database versions not stated): gnomAD exomes below 0.00001.
gnomAD v4.1: 1 of 1,614,006 alleles (0.000062%); highest among the groups gnomAD compares: Non-Finnish European, 0.000085%; no homozygotes.

Submissions (2):

Labcorp Genetics (formerly Invitae), Labcorp
Classification: Uncertain significance for Progressive sclerosing poliodystrophy. Last evaluated: 2025-09-01. Review status: criteria provided, single submitter. Criteria: Invitae Variant Classification Sherloc (09022015). Collection method: clinical testing. Allele origin: germline.
Comment: This sequence change replaces leucine, which is neutral and non-polar, with isoleucine, which is neutral and non-polar, at codon 931 of the POLG protein (p.Leu931Ile). This variant is not present in population databases (gnomAD no frequency). This variant has not been reported in the literature in individuals affected with POLG-related conditions. ClinVar contains an entry for this variant (Variation ID: 619424). Invitae Evidence Modeling of protein sequence and biophysical properties (such as structural, functional, and spatial information, amino acid conservation, physicochemical variation, residue mobility, and thermodynamic stability) indicates that this missense variant is expected to disrupt POLG protein function with a positive predictive value of 95%. In summary, the available evidence is currently insufficient to determine the role of this variant in disease. Therefore, it has been classified as a Variant of Uncertain Significance.

Wong Mito Lab, Molecular and Human Genetics, Baylor College of Medicine
Classification: Uncertain significance for Progressive sclerosing poliodystrophy. Last evaluated: 2018-10-01. Review status: criteria provided, single submitter. Criteria: ACMG Guidelines, 2015. Collection method: clinical testing. Allele origin: germline.
Comment: The NM_002693.2:c.2791C>A (NP_002684.1:p.Leu931Ile) [GRCH38: NC_000015.10:g.89320956G>T] variant in POLG gene is interpretated to be a Uncertain Significance based on ACMG guidelines (PMID: 25741868). This variant meets the following evidence codes reported in the ACMG-guideline. PM1:This variant is in mutational hot spot or a well-studied functional domain without benign variation. PM2:This variant is absent in key population databases. PP1:This variant is co-segregated with Mitochondrial DNA depletion syndrome 4A (Alpers type) in multiple affected family members. PP2:This is a missense variant in POLG with a low rate of benign and high rate of pathogenic missense variations. BP4:Computational evidence/predictors indicate no impact on the POLG structure, function, or protein-protein interaction. Based on the evidence criteria codes applied, the variant is suggested to be Uncertain Significance.